The following is an entry in ClinVar:

NM_153813.3(ZFPM1):c.699C>T (p.Thr233=)

Genes: ZFPM1 (zinc finger protein, FOG family member 1; plus strand), ZFPM1-AS1 (ZFPM1 antisense RNA 1; minus strand). Cytogenetic location: 16q24.2.
Variant type: single nucleotide variant.
Coding change: c.699C>T on transcript NM_153813.3 (MANE Select); coding-DNA position 699, C replaced by T.
Protein change: p.Thr233=; no amino-acid change (threonine 233 retained).
Molecular consequence: synonymous variant.
Genome position (GRCh38, 1-based): chr16:88,528,225, C>T. VCF-style: chr16-88528225-C-T. GRCh37 (hg19) VCF-style: chr16-88594633-C-T.
Other names: c.699C>T (NM_153813.2).
Identifiers: ClinVar variation 3025295 (VCV003025295.23), dbSNP rs145401494, ClinGen allele CA8225969.

ClinVar aggregate classification (germline): Likely benign. Review status: criteria provided, multiple submitters, no conflicts (2 of 4 stars). 2 submissions from 2 submitters: Likely benign (2). Last evaluated 2024-01-03.

Allele frequency attached by ClinVar (database versions not stated): 1000 Genomes Project 30x 0.00016; 1000 Genomes Project 0.00020; gnomAD exomes 0.00029; ESP Exome Variant Server 0.00046; gnomAD 0.00056; ExAC 0.00063.
gnomAD v4.1: 538 of 1,608,630 alleles (0.033%); highest among the groups gnomAD compares: Admixed American, 0.11%; 3 homozygotes.

Submissions (2):

Ambry Genetics
Classification: Likely benign. Last evaluated: 2024-01-03. Review status: criteria provided, single submitter. Criteria: Ambry Variant Classification Scheme 2023. Collection method: clinical testing. Allele origin: germline.

CeGaT Center for Human Genetics Tuebingen
Classification: Likely benign. Last evaluated: 2024-01-01. Review status: criteria provided, single submitter. Criteria: CeGaT Center For Human Genetics Tuebingen Variant Classification Criteria Version 2. Collection method: clinical testing. Allele origin: germline. Affected: yes. Observed: 2 variant alleles.
Comment: ZFPM1: BP4, BP7